The following is an entry in ClinVar:

NM_001009944.3(PKD1):c.11269+1G>T

Genes: PKD1 (polycystin 1, transient receptor potential channel interacting; minus strand), PKD1-AS1 (PKD1 antisense RNA 1; plus strand). Cytogenetic location: 16p13.3.
Variant type: single nucleotide variant.
Coding change: c.11269+1G>T on transcript NM_001009944.3 (MANE Select); the canonical splice donor site of the intron after coding-DNA position 11269, G replaced by T.
Molecular consequence: splice donor variant.
Genome position (GRCh38, 1-based): chr16:2,092,479, C>A on the plus strand (G>T on the coding strand, the complement: PKD1 is on the minus strand). VCF-style: chr16-2092479-C-A. GRCh37 (hg19) VCF-style: chr16-2142480-C-A.
Other names: c.11266+1G>T (NM_000296.4).
Identifiers: ClinVar variation 3254602 (VCV003254602.2), dbSNP rs2544631133.
Genomic context (GRCh38, chr16:2,092,479, plus strand): 5'-AAAGGCTGCTCTCTCAACAAGAGGAACGATTTAAGTCTTGGGGCACGCCCTGCCAGCTCA[C>A]CTTCCTGCAGCCGCACCTGCCGCAGCCGTGGGGGCCCCAGCTCTGGGCTGGACTGGTTCC-3'

ClinVar aggregate classification (germline): Likely pathogenic. Review status: criteria provided, multiple submitters, no conflicts (2 of 4 stars). 2 submissions from 2 submitters: Likely pathogenic (2). Last evaluated 2026-04-22.

Conditions:
Polycystic kidney disease, adult type (PKD1). Also called: Polycystic Kidney Disease 1, Autosomal Dominant; Polycystic kidney disease 1; Polycystic kidney disease 1, severe; Polycystic Kidney, Autosomal Dominant; POLYCYSTIC KIDNEY DISEASE, ADULT, TYPE I; POLYCYSTIC KIDNEY DISEASE 1 WITH OR WITHOUT POLYCYSTIC LIVER DISEASE. Identifiers: MedGen C3149841, MONDO:0008263, OMIM 173900.

Submissions (2):

Women's Health and Genetics/Laboratory Corporation of America, LabCorp
Classification: Likely pathogenic for Polycystic kidney disease, adult type. Last evaluated: 2026-04-22. Review status: criteria provided, single submitter. Criteria: LabCorp Variant Classification Summary - May 2015. Collection method: clinical testing. Allele origin: germline.
Comment: Variant summary: PKD1 c.11269+1G>T is located in a canonical splice-site and is predicted to affect mRNA splicing resulting in a significantly altered protein due to either exon skipping, shortening, or inclusion of intronic material. Variants that disrupt the consensus splice site are a relatively common cause of aberrant splicing and loss of PKD1 function. Several computational tools predict a significant impact on normal splicing: Four predict that the variant abolishes a 5' splicing donor site. However, these predictions have yet to be confirmed by functional studies. The variant was absent in 244110 control chromosomes. To our knowledge, no occurrence of c.11269+1G>T in individuals affected with PKD1-related conditions and no experimental evidence demonstrating its impact on protein function have been reported. ClinVar contains an entry for this variant (Variation ID: 3254602). Based on the evidence outlined above, the variant was classified as likely pathogenic.

Victorian Clinical Genetics Services, Murdoch Childrens Research Institute
Classification: Likely pathogenic for Polycystic kidney disease, adult type. Last evaluated: 2023-07-17. Review status: criteria provided, single submitter. Criteria: ACMG Guidelines, 2015. Collection method: clinical testing. Allele origin: germline. Inheritance: Autosomal dominant inheritance. Affected: yes.
Comment: Based on the classification scheme VCGS_Germline_v1.3.4, this variant is classified as Likely pathogenic. Following criteria are met: 0102 - Loss of function is a known mechanism of disease in this gene and is associated with polycystic kidney disease 1 (MIM#173900). (I) 0107 - This gene is associated with autosomal dominant disease. Polycystic kidney disease 1 (MIM#173900) is predominantly caused by monoallelic variants, with rare reports of biallelic variants causing disease (OMIM). (I)(I) 0211 - Canonical splice site variant without proven consequence on splicing (no functional evidence available). (SP) 0251 - This variant is heterozygous. (I) 0301 - Variant is absent from gnomAD (both v2 and v3). (SP) 0505 - Abnormal splicing is predicted by in silico tools and affected nucleotide is highly conserved. (SP) 0703 - Other splice variants comparable to the one identified in this case have moderate previous evidence for pathogenicity. PMID: 30333007 identified a heterozygous variant, PKD1 c.11269+1G>A, in an individual with ADPKD. The heterozygous variant, PKD1 c.11269+1G>C; p.(Ala3757fs), has been identified in two unrelated individuals with ADPKD and RT-PCR studies support exon 39 skipping (PMID: 9199561; PMID: 25340609). (SP) 0807 - This variant has no previous evidence of pathogenicity. (I) 0905 - No published segregation evidence has been identified for this variant. (I) 1007 - No published functional evidence has been identified for this variant. (I) 1102 - Strong phenotype match for this individual. (SP) 1208 - Inheritance information for this variant is not currently available in this individual. (I) Legend: (SP) - Supporting pathogenic, (I) - Information, (SB) - Supporting benign

Literature cited by the submitters: PubMed 9199561 (cited by Victorian Clinical Genetics Services, Murdoch Childrens Research Institute); PubMed 25340609 (cited by Victorian Clinical Genetics Services, Murdoch Childrens Research Institute); PubMed 30333007 (cited by Victorian Clinical Genetics Services, Murdoch Childrens Research Institute).